The following is an entry in ClinVar:

ClinVar aggregate classification (germline): Uncertain significance (1 of 4 stars; one submission).

Conditions:
Autoimmune lymphoproliferative syndrome type 2A (ALPS2A). Also called: Autoimmune lymphoproliferative syndrome type 2; CASP10-Related Autoimmune Lymphoproliferative Syndrome; AUTOIMMUNE LYMPHOPROLIFERATIVE SYNDROME, TYPE IIA. Identifiers: Orphanet 3261, MedGen C1858968, MONDO:0011383, OMIM 603909.

Submission:

Labcorp Genetics (formerly Invitae), Labcorp
Classification: Uncertain significance for Autoimmune lymphoproliferative syndrome type 2A. Last evaluated: 2021-12-18. Review status: criteria provided, single submitter. Criteria: Invitae Variant Classification Sherloc (09022015). Collection method: clinical testing. Allele origin: germline.
Comment: Algorithms developed to predict the effect of sequence changes on RNA splicing suggest that this variant may create or strengthen a splice site. In summary, the available evidence is currently insufficient to determine the role of this variant in disease. Therefore, it has been classified as a Variant of Uncertain Significance. Algorithms developed to predict the effect of missense changes on protein structure and function (SIFT, PolyPhen-2, Align-GVGD) all suggest that this variant is likely to be disruptive. This variant has not been reported in the literature in individuals affected with CASP10-related conditions. This variant is not present in population databases (gnomAD no frequency). This sequence change replaces alanine, which is neutral and non-polar, with valine, which is neutral and non-polar, at codon 400 of the CASP10 protein (p.Ala400Val).

NM_032977.4(CASP10):c.1199C>T (p.Ala400Val)

Gene: CASP10 (caspase 10; plus strand). Cytogenetic location: 2q33.1.
Variant type: single nucleotide variant.
Coding change: c.1199C>T on transcript NM_032977.4 (MANE Select); coding-DNA position 1199, C replaced by T.
Protein change: p.Ala400Val; replaces alanine 400 with valine.
Molecular consequence: missense variant. On other transcripts: 3 prime UTR variant (1).
Genome position (GRCh38, 1-based): chr2:201,209,346, C>T. VCF-style: chr2-201209346-C-T. GRCh37 (hg19) VCF-style: chr2-202074069-C-T.
Other names: c.998C>T, p.Ala333Val (NM_001206524.2); c.1070C>T, p.Ala357Val (NM_001206542.2, NM_001230.5); c.1199C>T, p.Ala400Val (NM_032974.5); c.*285C>T (NM_032976.4); short protein forms A333V, A357V, A400V.
Identifiers: ClinVar variation 1979720 (VCV001979720.4), dbSNP rs764047075, ClinGen allele CA350292043.